The following is an entry in ClinVar:

NM_001042492.3(NF1):c.6297T>G (p.His2099Gln)

Gene: NF1 (neurofibromin 1; plus strand). Cytogenetic location: 17q11.2.
Variant type: single nucleotide variant.
Coding change: c.6297T>G on transcript NM_001042492.3 (MANE Select); coding-DNA position 6297, T replaced by G.
Protein change: p.His2099Gln; replaces histidine 2099 with glutamine.
Molecular consequence: missense variant.
Genome position (GRCh38, 1-based): chr17:31,336,784, T>G. VCF-style: chr17-31336784-T-G. GRCh37 (hg19) VCF-style: chr17-29663802-T-G.
Other names: c.6234T>G, p.His2078Gln (NM_000267.4); short protein forms H2078Q, H2099Q.
Identifiers: ClinVar variation 5009946 (VCV005009946.1).
Genomic context (GRCh38, chr17:31,336,784, plus strand): 5'-TATTTTAGCACGCTACATGCTGATGCTGTCCTTCAACAATTCCCTTGATGTGGCAGCTCA[T>G]CTTCCCTACCTCTTCCACGTTGTTACTTTCTTAGTAGCCACAGGTCCGCTCTCCCTTAGA-3'
Protein context (NP_001035957.1, residues 2089-2109): SFNNSLDVAA[His2099Gln]LPYLFHVVTF

ClinVar aggregate classification (germline): Uncertain significance (1 of 4 stars; one submission).

Submission:

GeneDx
Classification: Uncertain significance. Last evaluated: 2026-02-21. Review status: criteria provided, single submitter. Criteria: GeneDx Variant Classification Process June 2021. Collection method: clinical testing. Allele origin: germline.
Comment: Not observed at significant frequency in large population cohorts (gnomAD); In silico analysis supports that this missense variant has a deleterious effect on protein structure/function; Has not been previously published as pathogenic or benign to our knowledge.